The following is an entry in ClinVar:

NM_004104.5(FASN):c.4738A>G (p.Thr1580Ala)

Gene: FASN (fatty acid synthase; minus strand). Cytogenetic location: 17q25.3.
Variant type: single nucleotide variant.
Coding change: c.4738A>G on transcript NM_004104.5 (MANE Select); coding-DNA position 4738, A replaced by G.
Protein change: p.Thr1580Ala; replaces threonine 1580 with alanine.
Molecular consequence: missense variant.
Genome position (GRCh38, 1-based): chr17:82,084,543, T>C on the plus strand (A>G on the coding strand, the complement: FASN is on the minus strand). VCF-style: chr17-82084543-T-C. GRCh37 (hg19) VCF-style: chr17-80042419-T-C.
Other names: short protein forms T1580A.
Identifiers: ClinVar variation 3015928 (VCV003015928.3), dbSNP rs2034053550, ClinGen allele CA401544480.
Genomic context (GRCh38, chr17:82,084,543, plus strand): 5'-TCCACTCCCACGGCCCCATGCCACCCATACCTGGGATGGCATCAGGGGACAGCTTGCCAG[T>C]GGCCAGCATGATGTCGCGGAAGTTGAGGGAGGCGTAGTAGACCGTGCAGAGCTGGGCGCC-3'
Protein context (NP_004095.4, residues 1570-1590): SLNFRDIMLA[Thr1580Ala]GKLSPDAIPG

ClinVar aggregate classification (germline): Uncertain significance (1 of 4 stars; one submission).

Conditions:
Epileptic encephalopathy. Identifiers: MedGen C0543888, HP:0200134.

Allele frequency attached by ClinVar (database versions not stated): gnomAD exomes below 0.00001; gnomAD 0.00001.

Submission:

Labcorp Genetics (formerly Invitae), Labcorp
Classification: Uncertain significance for Epileptic encephalopathy. Last evaluated: 2023-02-16. Review status: criteria provided, single submitter. Criteria: Invitae Variant Classification Sherloc (09022015). Collection method: clinical testing. Allele origin: germline.
Comment: This sequence change replaces threonine, which is neutral and polar, with alanine, which is neutral and non-polar, at codon 1580 of the FASN protein (p.Thr1580Ala). In summary, the available evidence is currently insufficient to determine the role of this variant in disease. Therefore, it has been classified as a Variant of Uncertain Significance. An algorithm developed to predict the effect of missense changes on protein structure and function (PolyPhen-2) suggests that this variant is likely to be tolerated. This variant has not been reported in the literature in individuals affected with FASN-related conditions. This variant is not present in population databases (gnomAD no frequency).